The following is an entry in ClinVar:

NM_003742.4(ABCB11):c.1638+128del

Gene: ABCB11 (ATP binding cassette subfamily B member 11; minus strand). Cytogenetic location: 2q31.1.
Variant type: Deletion.
Coding change: c.1638+128del on transcript NM_003742.4 (MANE Select); 128 bases into the intron after coding-DNA position 1638, one base deleted (A; older notation c.1638+128delA).
Molecular consequence: intron variant.
Genome position (GRCh38, 1-based): chr2:168,971,719, T deleted on the plus strand (A on the coding strand, the reverse complement: ABCB11 is on the minus strand). VCF-style (leftmost placement, unchanged base first): chr2-168971718-AT-A. GRCh37 (hg19) VCF-style: chr2-169828228-AT-A.
Identifiers: ClinVar variation 1253434 (VCV001253434.3), dbSNP rs55868238, ClinGen allele CA59881083.

ClinVar aggregate classification (germline): Benign. Review status: criteria provided, multiple submitters, no conflicts (2 of 4 stars). 2 submissions from 2 submitters: Benign (2). Last evaluated 2026-04-14.

Conditions:
Familial intrahepatic cholestasis. Identifiers: Orphanet 284385, MedGen CN296401, MONDO:0017290.

Allele frequency attached by ClinVar (database versions not stated): TOPMed 0.01624; gnomAD 0.02240 and 0.02303; 1000 Genomes Project 30x 0.02249; gnomAD exomes 0.02256; 1000 Genomes Project 0.02476.

Submissions (2):

Genomenon, Inc
Classification: Benign for Familial intrahepatic cholestasis. Last evaluated: 2026-04-14. Review status: criteria provided, single submitter. Criteria: Genomenon Sequence Variant Interpretation Standards - Updated. Collection method: curation. Allele origin: germline. Affected: no.
Comment: ABCB11 c.1638+128del is a deletion variant located in intron 14. This variant is present at high allele frequency in population databases. In conclusion, we classify ABCB11 c.1638+128del as a benign variant.

GeneDx
Classification: Benign. Last evaluated: 2018-06-23. Review status: criteria provided, single submitter. Criteria: GeneDx Variant Classification Process June 2021. Collection method: clinical testing. Allele origin: germline. Affected: yes.